The following is an entry in ClinVar:

ClinVar aggregate classification (germline): Uncertain significance (1 of 4 stars; one submission).

Submission:

Mayo Clinic Laboratories, Mayo Clinic
Classification: Uncertain significance. Last evaluated: 2022-02-15. Review status: criteria provided, single submitter. Criteria: ACMG Guidelines, 2015. Collection method: clinical testing. Allele origin: germline. Observed: 1 variant allele.
Comment: BP4, PM2

NM_000466.3(PEX1):c.2017G>C (p.Val673Leu)

Gene: PEX1 (peroxisomal biogenesis factor 1; minus strand). Cytogenetic location: 7q21.2.
Variant type: single nucleotide variant.
Coding change: c.2017G>C on transcript NM_000466.3 (MANE Select); coding-DNA position 2017, G replaced by C.
Protein change: p.Val673Leu; replaces valine 673 with leucine.
Molecular consequence: missense variant. On other transcripts: intron variant (1).
Genome position (GRCh38, 1-based): chr7:92,504,786, C>G on the plus strand (G>C on the coding strand, the complement: PEX1 is on the minus strand). VCF-style: chr7-92504786-C-G. GRCh37 (hg19) VCF-style: chr7-92134100-C-G.
Other names: p.Val673Leu; c.1393G>C, p.Val465Leu (NM_001282678.2); c.1900+1462G>C (NM_001282677.2); short protein forms V465L, V673L.
Identifiers: ClinVar variation 2682981 (VCV002682981.1), dbSNP rs2484668423, ClinGen allele CA368183317.
Genomic context (GRCh38, chr7:92,504,786, plus strand): 5'-ATTTACCATGAGCAAGCCGCTGGCTCTGCACCGCATCAGGACTGTGCTCATGTTCCGGGA[C>G]AGCAGGCAGTCCAGCAATGAGGTCAAGGTCATCCAGCAGGACAACAGATGGCTGCATCCA-3'
Protein context (NP_000457.1, residues 663-683): DLDLIAGLPA[Val673Leu]PEHEHSPDAV